The following is an entry in ClinVar:

NM_001267550.2(TTN):c.107926G>T (p.Glu35976Ter)

Genes: TTN-AS1 (TTN antisense RNA 1; plus strand), TTN (titin; minus strand). Cytogenetic location: 2q31.2.
Variant type: single nucleotide variant.
Coding change: c.107926G>T on transcript NM_001267550.2 (MANE Select); coding-DNA position 107926, G replaced by T.
Protein change: p.Glu35976Ter; replaces glutamic acid 35976 with a stop codon.
Molecular consequence: nonsense.
Genome position (GRCh38, 1-based): chr2:178,527,062, C>A on the plus strand (G>T on the coding strand, the complement: TTN is on the minus strand). VCF-style: chr2-178527062-C-A. GRCh37 (hg19) VCF-style: chr2-179391789-C-A.
Other names: c.103003G>T, p.Glu34335Ter (NM_001256850.1); c.80731G>T, p.Glu26911Ter (NM_003319.4); c.100222G>T, p.Glu33408Ter (NM_133378.4); c.81106G>T, p.Glu27036Ter (NM_133432.3); c.81307G>T, p.Glu27103Ter (NM_133437.4); short protein forms E26911*, E27036*, E27103*, E35976*, E33408*, E34335*.
Identifiers: ClinVar variation 1495063 (VCV001495063.9), dbSNP rs1259397789, ClinGen allele CA349398276.

ClinVar aggregate classification (germline): Uncertain significance. Review status: criteria provided, multiple submitters, no conflicts (2 of 4 stars). 2 submissions from 2 submitters: Uncertain significance (2). Last evaluated 2020-12-29.

Conditions:
Dilated cardiomyopathy 1G (CMD1G). Identifiers: Orphanet 154, MedGen C1858763, MONDO:0011400, OMIM 604145.
Autosomal recessive limb-girdle muscular dystrophy type 2J (LGMDR10). Also called: Limb-girdle muscular dystrophy, type 2J; MUSCULAR DYSTROPHY, LIMB-GIRDLE, AUTOSOMAL RECESSIVE 10. Identifiers: Orphanet 140922, MedGen C1837342, MONDO:0012127, OMIM 608807.

Allele frequency attached by ClinVar (database versions not stated): gnomAD exomes below 0.00001.
gnomAD v4.1: 2 of 1,613,848 alleles (0.00012%); highest among the groups gnomAD compares: East Asian, 0.0022%; no homozygotes.

Submissions (2):

Labcorp Genetics (formerly Invitae), Labcorp
Classification: Uncertain significance for Dilated cardiomyopathy 1G; Autosomal recessive limb-girdle muscular dystrophy type 2J. Last evaluated: 2020-12-29. Review status: criteria provided, single submitter. Criteria: Invitae Variant Classification Sherloc (09022015). Collection method: clinical testing. Allele origin: germline.
Comment: This variant is located in the M band of TTN (PMID: 25589632). Truncating variants in this region have been previously reported in individuals affected with autosomal recessive myopathy and muscular dystrophy (PMID: 18948003, 23975875, 24395473), but have not been definitively shown to cause cardiomyopathy (PMID: 25589632). In summary, the available evidence is currently insufficient to determine the role of this variant in disease. Therefore, it has been classified as a Variant of Uncertain Significance. This variant has not been reported in the literature in individuals with TTN-related conditions. This variant is not present in population databases (ExAC no frequency). This sequence change creates a premature translational stop signal (p.Glu35976*) in the TTN gene. While this is not anticipated to result in nonsense mediated decay, it is expected to create a truncated TTN protein.

Kariminejad - Najmabadi Pathology & Genetics Center
Classification: Uncertain significance. Last evaluated: 2020-04-04. Review status: criteria provided, single submitter. Criteria: ACMG Guidelines, 2015. Collection method: clinical testing. Allele origin: germline. Inheritance: Autosomal recessive inheritance. Affected: yes.
Comment: PVS1_Moderate, PM2, PM3_Supporting

Literature cited by the submitters: PubMed 25589632 (cited by Labcorp Genetics (formerly Invitae), Labcorp); PubMed 18948003 (cited by Labcorp Genetics (formerly Invitae), Labcorp); PubMed 23975875 (cited by Labcorp Genetics (formerly Invitae), Labcorp); PubMed 24395473 (cited by Labcorp Genetics (formerly Invitae), Labcorp).